The following is an entry in ClinVar:

NM_001042492.3(NF1):c.655-16G>A

Gene: NF1 (neurofibromin 1; plus strand). Cytogenetic location: 17q11.2.
Variant type: single nucleotide variant.
Coding change: c.655-16G>A on transcript NM_001042492.3 (MANE Select); 16 bases into the intron before coding-DNA position 655, G replaced by A.
Molecular consequence: intron variant.
Genome position (GRCh38, 1-based): chr17:31,181,694, G>A. VCF-style: chr17-31181694-G-A. GRCh37 (hg19) VCF-style: chr17-29508712-G-A.
Other names: c.655-16G>A (NM_000267.4, NM_001128147.3).
Identifiers: ClinVar variation 3581816 (VCV003581816.3).

ClinVar aggregate classification (germline): Uncertain significance. Review status: criteria provided, multiple submitters, no conflicts (2 of 4 stars). 2 submissions from 2 submitters: Uncertain significance (2). Last evaluated 2026-04-21.

Conditions:
Juvenile myelomonocytic leukemia (JMML). Also called: LEUKEMIA, JUVENILE MYELOMONOCYTIC, SOMATIC. Identifiers: Orphanet 86834, MedGen C0349639, MONDO:0011908, OMIM 607785, HP:0012209.
Neurofibromatosis, type 1 (NF1). Also called: Neurofibromatosis, type I; Peripheral type neurofibromatosis; VON RECKLINGHAUSEN DISEASE; NEUROFIBROMATOSIS, TYPE I, SOMATIC. Identifiers: Orphanet 636, MedGen C0027831, MONDO:0018975, OMIM 162200. Disease mechanism: loss of function.
Neurofibromatosis-Noonan syndrome (NFNS). Also called: NEUROFIBROMATOSIS WITH NOONAN PHENOTYPE. Identifiers: Orphanet 638, MedGen C2931482, MONDO:0011035, OMIM 601321. Disease mechanism: loss of function.
Café-au-lait macules with pulmonary stenosis (WTSN). Also called: PULMONIC STENOSIS WITH CAFE-AU-LAIT SPOTS. Identifiers: MedGen C0553586, MONDO:0008672, OMIM 193520.
Neurofibromatosis, familial spinal (FSNF). Identifiers: Orphanet 636, MedGen C1834235, MONDO:0008078, OMIM 162210. Disease mechanism: loss of function.

Submissions (2):

Dasa
Classification: Uncertain significance. Last evaluated: 2026-04-21. Review status: criteria provided, single submitter. Criteria: DASA Assertion Criteria. Collection method: clinical testing. Allele origin: germline.
Comment: NM_001042492.3(NF1):c.655-16G>A is an intronic variant. This variant is rare in population databases. Computational prediction algorithms are consistent with a deleterious effect. The currently available literature and clinical evidence are not sufficient to establish a definitive association between this variant and the reported condition. Therefore, this variant is classified as a variant of uncertain significance.

Fulgent Genetics
Classification: Uncertain significance for Neurofibromatosis, type 1; Neurofibromatosis, familial spinal; Café-au-lait macules with pulmonary stenosis; Neurofibromatosis-Noonan syndrome; Juvenile myelomonocytic leukemia. Last evaluated: 2024-03-09. Review status: criteria provided, single submitter. Criteria: ACMG Guidelines, 2015. Collection method: clinical testing. Allele origin: germline.